The following is an entry in ClinVar:

ClinVar aggregate classification (germline): Likely benign (1 of 4 stars; one submission).

Submission:

GeneDx
Classification: Likely benign. Last evaluated: 2016-11-17. Review status: criteria provided, single submitter. Criteria: GeneDx Variant Classification (06012015). Collection method: clinical testing. Allele origin: germline. Affected: yes.
Comment: This variant is considered likely benign or benign based on one or more of the following criteria: it is a conservative change, it occurs at a poorly conserved position in the protein, it is predicted to be benign by multiple in silico algorithms, and/or has population frequency not consistent with disease.

NM_000018.4(ACADVL):c.1679-35CCCCCA[4]

Gene: ACADVL (acyl-CoA dehydrogenase very long chain; plus strand). Cytogenetic location: 17p13.1.
Variant type: Microsatellite.
Coding change: c.1679-35CCCCCA[4] on transcript NM_000018.4 (MANE Select); four copies in a row of the 6-base unit CCCCCA starting at c.1679-35.
Molecular consequence: intron variant.
Genome position: GRCh38 VCF-style: chr17-7224606-G-GCCCCCA. GRCh37 (hg19) VCF-style: chr17-7127925-G-GCCCCCA.
Other names: c.1748-35CCCCCA[4] (NM_001270447.2); c.1451-35CCCCCA[4] (NM_001270448.2); c.1613-35CCCCCA[4] (NM_001033859.3); c.1679-19_1679-14dupCACCCC (NM_000018.2).
Identifiers: ClinVar variation 422785 (VCV000422785.1), dbSNP rs754154374, ClinGen allele CA8338220.
Genomic context (GRCh38, chr17:7,224,606, plus strand): 5'-ATTGTCAGTAAGTGAGCTCTACACCATTCCGCCCCTCCCTTTCCTCTCCTTGAGACTAAT[G>GCCCCCA]CCCCCACCCCCACCCCCACCCCACCTACCGGACAGATGAACAGTTTCTGCTGCAGCGGCT-3'